The following is an entry in ClinVar:

NM_000751.3(CHRND):c.247_251dup (p.Asp85fs)

Gene: CHRND (cholinergic receptor nicotinic delta subunit; plus strand). Cytogenetic location: 2q37.1.
Variant type: Duplication.
Coding change: c.247_251dup on transcript NM_000751.3 (MANE Select); coding-DNA positions 247 to 251, 5 bases duplicated (TGGAC; older notation c.247_251dupTGGAC).
Protein change: p.Asp85fs; shifts the reading frame from aspartic acid 85.
Molecular consequence: frameshift variant. On other transcripts: 5 prime UTR variant (2).
Genome position (GRCh38, 1-based): chr2:232,528,265-232,528,269, TGGAC duplicated; duplicating any 5 consecutive bases within chr2:232,528,264-232,528,269 gives the same sequence; the c. name uses the placement nearest the transcript's 3' end. VCF-style (leftmost placement, unchanged base first): chr2-232528263-G-GCTGGA. GRCh37 (hg19) VCF-style: chr2-233392973-G-GCTGGA.
Other names: c.202_206dup, p.Asp70fs (NM_001256657.2); c.-25_-21dup (NM_001311195.2, NM_001311196.2); short protein forms D70fs, D85fs.
Identifiers: ClinVar variation 3650417 (VCV003650417.2).
Genomic context (GRCh38, chr2:232,528,263, plus strand): 5'-GGGAGCCAGGAGCCTGGATGGCTGCAGAGTGCACTGGTGACATGCCTTTGGGATTCCAGG[G>GCTGGA]CTGGACAGACAACCGGCTGAAGTGGAATGCTGAAGAATTTGGAAACATCAGTGTCCTGCG-3'

ClinVar aggregate classification (germline): Pathogenic (1 of 4 stars; one submission).

Conditions:
Lethal multiple pterygium syndrome (LMPS). Identifiers: Orphanet 33108, MedGen C1854678, MONDO:0009668, OMIM 253290.

Submission:

Labcorp Genetics (formerly Invitae), Labcorp
Classification: Pathogenic for Lethal multiple pterygium syndrome. Last evaluated: 2024-04-19. Review status: criteria provided, single submitter. Criteria: Invitae Variant Classification Sherloc (09022015). Collection method: clinical testing. Allele origin: germline.
Comment: This sequence change creates a premature translational stop signal (p.Asp85Glyfs*6) in the CHRND gene. It is expected to result in an absent or disrupted protein product. Loss-of-function variants in CHRND are known to be pathogenic (PMID: 11435464, 25264167). This variant is not present in population databases (gnomAD no frequency). This variant has not been reported in the literature in individuals affected with CHRND-related conditions. For these reasons, this variant has been classified as Pathogenic.

Literature cited by the submitters: PubMed 11435464; PubMed 25264167.